The following is an entry in ClinVar:

NM_012330.4(KAT6B):c.3510A>G (p.Pro1170=)

Gene: KAT6B (lysine acetyltransferase 6B; plus strand). Cytogenetic location: 10q22.2.
Variant type: single nucleotide variant.
Coding change: c.3510A>G on transcript NM_012330.4 (MANE Select); coding-DNA position 3510, A replaced by G.
Protein change: p.Pro1170=; no amino-acid change (proline 1170 retained).
Molecular consequence: synonymous variant.
Genome position (GRCh38, 1-based): chr10:75,025,095, A>G. VCF-style: chr10-75025095-A-G. GRCh37 (hg19) VCF-style: chr10-76784853-A-G.
Other names: c.2961A>G, p.Pro987= (NM_001256468.2, NM_001370138.1); c.2634A>G, p.Pro878= (NM_001256469.2, NM_001370139.1, NM_001370140.1 and 2 more transcripts); c.2472A>G, p.Pro824= (NM_001370132.1); c.1821A>G, p.Pro607= (NM_001370133.1); c.1425A>G, p.Pro475= (NM_001370134.1); c.1167A>G, p.Pro389= (NM_001370135.1); c.3510A>G, p.Pro1170= (NM_001370136.1, NM_001370137.1); c.2445A>G, p.Pro815= (NM_001370143.1, NM_001370144.1).
Identifiers: ClinVar variation 2772753 (VCV002772753.5), dbSNP rs2549183594, ClinGen allele CA470177496.
Genomic context (GRCh38, chr10:75,025,095, plus strand): 5'-AGAGACGACAGAAGTACTGAATGAGCCCTTTGACAACTCAGATGAAGAGAGGCCAATGCC[A>G]CAGCTGGAGCCTACCTGTGAGATTGAAGTGGAGGAAGATGGCAGGAAGCCAGTCCTGAGA-3'
Protein context (NP_036462.2, residues 1160-1180): FDNSDEERPM[Pro1170=]QLEPTCEIEV

ClinVar aggregate classification (germline): Likely benign. Review status: criteria provided, multiple submitters, no conflicts (2 of 4 stars). 2 submissions from 2 submitters: Likely benign (2). Last evaluated 2026-05-01.

Conditions:
Genitopatellar syndrome (GTPTS). Also called: Genitopatellar syndrome (GPS); ABSENT PATELLAE, SCROTAL HYPOPLASIA, RENAL ANOMALIES, FACIAL DYSMORPHISM, AND MENTAL RETARDATION. Identifiers: Orphanet 85201, MedGen C1853566, MONDO:0011640, OMIM 606170.

Submissions (2):

CeGaT Center for Human Genetics Tuebingen
Classification: Likely benign. Last evaluated: 2026-05-01. Review status: criteria provided, single submitter. Criteria: CeGaT Center For Human Genetics Tuebingen Variant Classification Criteria Version 2. Collection method: clinical testing. Allele origin: germline. Affected: yes. Observed: 1 variant allele.
Comment: KAT6B: PM2:Supporting, BP4, BP7

Labcorp Genetics (formerly Invitae), Labcorp
Classification: Likely benign for Genitopatellar syndrome. Last evaluated: 2023-03-25. Review status: criteria provided, single submitter. Criteria: Invitae Variant Classification Sherloc (09022015). Collection method: clinical testing. Allele origin: germline.